The following is an entry in ClinVar:

ClinVar aggregate classification (germline): Uncertain significance (1 of 4 stars; one submission).

Conditions:
Hereditary cancer-predisposing syndrome. Also called: Tumor predisposition; Hereditary Cancer Syndrome; Neoplastic Syndromes, Hereditary; Hereditary neoplastic syndrome. Identifiers: Orphanet 140162, MedGen C0027672, MeSH D009386, MONDO:0015356.

Submission:

Color Diagnostics, LLC DBA Color Health
Classification: Uncertain significance for Hereditary cancer-predisposing syndrome. Last evaluated: 2025-12-09. Review status: criteria provided, single submitter. Criteria: ACMG Guidelines, 2015. Collection method: clinical testing. Allele origin: germline.
Comment: This missense variant replaces aspartic acid with tyrosine at codon 387 of the MSH6 protein. Computational prediction suggests that this variant may not impact protein structure and function. To our knowledge, functional studies have not been reported for this variant. This variant has not been reported in individuals affected with MSH6-related disorders in the literature. This variant has not been identified in the general population by the Genome Aggregation Database (gnomAD). The available evidence is insufficient to determine the role of this variant in disease conclusively. Therefore, this variant is classified as a Variant of Uncertain Significance.

NM_000179.3(MSH6):c.1159G>T (p.Asp387Tyr)

Gene: MSH6 (mutS homolog 6; plus strand). Cytogenetic location: 2p16.3.
Variant type: single nucleotide variant.
Coding change: c.1159G>T on transcript NM_000179.3 (MANE Select); coding-DNA position 1159, G replaced by T.
Protein change: p.Asp387Tyr; replaces aspartic acid 387 with tyrosine.
Molecular consequence: missense variant. On other transcripts: non-coding transcript variant (4), intron variant (1).
Genome position (GRCh38, 1-based): chr2:47,799,142, G>T. VCF-style: chr2-47799142-G-T. GRCh37 (hg19) VCF-style: chr2-48026281-G-T.
Other names: c.769G>T, p.Asp257Tyr (NM_001281492.2); c.253G>T, p.Asp85Tyr (NM_001281493.2, NM_001281494.2, NM_001406811.1 and 6 more transcripts); c.1255G>T, p.Asp419Tyr (NM_001406795.1, NM_001406802.1); c.1159G>T, p.Asp387Tyr (NM_001406796.1, NM_001406798.1, NM_001406800.1 and 4 more transcripts); c.862G>T, p.Asp288Tyr (NM_001406797.1, NM_001406801.1, NM_001406805.1 and 10 more transcripts); c.634G>T, p.Asp212Tyr (NM_001406799.1, NM_001406806.1, NM_001406807.1); c.1081G>T, p.Asp361Tyr (NM_001406804.1); c.1165G>T, p.Asp389Tyr (NM_001406813.1); and 2 more; short protein forms D212Y, D257Y, D288Y, D331Y, D361Y, D387Y, D389Y, D419Y.
Identifiers: ClinVar variation 4756342 (VCV004756342.1).
Genomic context (GRCh38, chr2:47,799,142, plus strand): 5'-CATGAAACTTTAGAATGGCTTAAGGAGGAAAAGAGAAGAGATGAGCACAGGAGGAGGCCT[G>T]ATCACCCCGATTTTGATGCATCTACACTCTATGTGCCTGAGGATTTCCTCAATTCTTGTA-3'
Protein context (NP_000170.1, residues 377-397): KRRDEHRRRP[Asp387Tyr]HPDFDASTLY